The following is an entry in ClinVar:

NM_001099271.2(POC5):c.1333T>G (p.Ser445Ala)

Gene: POC5 (POC5 centriolar protein; minus strand). Cytogenetic location: 5q13.3.
Variant type: single nucleotide variant.
Coding change: c.1333T>G on transcript NM_001099271.2 (MANE Select); coding-DNA position 1333, T replaced by G.
Protein change: p.Ser445Ala; replaces serine 445 with alanine.
Molecular consequence: missense variant.
Genome position (GRCh38, 1-based): chr5:75,685,281, A>C on the plus strand (T>G on the coding strand, the complement: POC5 is on the minus strand). VCF-style: chr5-75685281-A-C. GRCh37 (hg19) VCF-style: chr5-74981106-A-C.
Other names: c.1258T>G, p.Ser420Ala (NM_152408.3); short protein forms S420A, S445A.
Identifiers: ClinVar variation 3015969 (VCV003015969.3), dbSNP rs2478797487, ClinGen allele CA360144362.

ClinVar aggregate classification (germline): Uncertain significance (1 of 4 stars; one submission).

Allele frequency attached by ClinVar (database versions not stated): gnomAD exomes below 0.00001.
gnomAD v4.1: 2 of 1,614,062 alleles (0.00012%); highest among the groups gnomAD compares: Non-Finnish European, 0.00017%; no homozygotes.

Submission:

Labcorp Genetics (formerly Invitae), Labcorp
Classification: Uncertain significance. Last evaluated: 2025-09-02. Review status: criteria provided, single submitter. Criteria: Invitae Variant Classification Sherloc (09022015). Collection method: clinical testing. Allele origin: germline.
Comment: This sequence change replaces serine, which is neutral and polar, with alanine, which is neutral and non-polar, at codon 445 of the POC5 protein (p.Ser445Ala). This variant is not present in population databases (gnomAD no frequency). This variant has not been reported in the literature in individuals affected with POC5-related conditions. ClinVar contains an entry for this variant (Variation ID: 3015969). An algorithm developed to predict the effect of missense changes on protein structure and function (PolyPhen-2) suggests that this variant is likely to be tolerated. In summary, the available evidence is currently insufficient to determine the role of this variant in disease. Therefore, it has been classified as a Variant of Uncertain Significance.